The following is an entry in ClinVar:

ClinVar aggregate classification (germline): Benign/Likely benign. Review status: criteria provided, multiple submitters, no conflicts (2 of 4 stars). 2 submissions from 2 submitters: Benign (1); Likely benign (1). Last evaluated 2019-11-29.

Conditions:
Roberts-SC phocomelia syndrome (RBS). Also called: LONG BONE DEFICIENCIES ASSOCIATED WITH CLEFT LIP-PALATE; Hypomelia hypotrichosis facial hemangioma syndrome; ESCO2 Spectrum Disorder; Pseudothalidomide syndrome; Appelt-Gerken-Lenz syndrome. Identifiers: Orphanet 3103, MedGen C0392475, MONDO:0100253, OMIM 268300.

Allele frequency attached by ClinVar (database versions not stated): ExAC 0.00105; 1000 Genomes Project 30x 0.00187; 1000 Genomes Project 0.00200; ESP Exome Variant Server 0.00008; gnomAD 0.00059 and 0.00060; TOPMed 0.00088; gnomAD exomes 0.00099.
gnomAD v4.1: 494 of 1,607,718 alleles (0.031%); highest among the groups gnomAD compares: East Asian, 0.58%; 11 homozygotes.

Submissions (2):

GeneDx
Classification: Likely benign. Last evaluated: 2019-11-29. Review status: criteria provided, single submitter. Criteria: GeneDx Variant Classification Process June 2021. Collection method: clinical testing. Allele origin: germline. Affected: yes.

Illumina Laboratory Services, Illumina
Classification: Benign for Roberts-SC phocomelia syndrome. Last evaluated: 2018-01-12. Review status: criteria provided, single submitter. Criteria: ICSL Variant Classification Criteria 13 December 2019. Collection method: clinical testing. Allele origin: germline.
Comment: This variant was observed in the ICSL laboratory as part of a predisposition screen in an ostensibly healthy population. It had not been previously curated by ICSL or reported in the Human Gene Mutation Database (HGMD: prior to June 1st, 2018), and was therefore a candidate for classification through an automated scoring system. Utilizing variant allele frequency, disease prevalence and penetrance estimates, and inheritance mode, an automated score was calculated to assess if this variant is too frequent to cause the disease. Based on the score and internal cut-off values, a variant classified as benign is not then subjected to further curation. The score for this variant resulted in a classification of benign for this disease.

NM_001017420.3(ESCO2):c.*34G>A

Gene: ESCO2 (establishment of sister chromatid cohesion N-acetyltransferase 2; plus strand). Cytogenetic location: 8p21.1.
Variant type: single nucleotide variant.
Coding change: c.*34G>A on transcript NM_001017420.3 (MANE Select); 34 bases downstream of the stop codon, G replaced by A.
Molecular consequence: 3 prime UTR variant.
Genome position (GRCh38, 1-based): chr8:27,803,472, G>A. VCF-style: chr8-27803472-G-A. GRCh37 (hg19) VCF-style: chr8-27660989-G-A.
Identifiers: ClinVar variation 362746 (VCV000362746.7), dbSNP rs182715200, ClinGen allele CA4692404.